The following is an entry in ClinVar:

ClinVar aggregate classification (germline): Uncertain significance (1 of 4 stars; one submission).

Submission:

Labcorp Genetics (formerly Invitae), Labcorp
Classification: Uncertain significance. Last evaluated: 2024-12-16. Review status: criteria provided, single submitter. Criteria: Invitae Variant Classification Sherloc (09022015). Collection method: clinical testing. Allele origin: germline.
Comment: This sequence change replaces serine, which is neutral and polar, with glycine, which is neutral and non-polar, at codon 1409 of the IGSF10 protein (p.Ser1409Gly). This variant is not present in population databases (gnomAD no frequency). This variant has not been reported in the literature in individuals affected with IGSF10-related conditions. ClinVar contains an entry for this variant (Variation ID: 2784543). An algorithm developed to predict the effect of missense changes on protein structure and function outputs the following: PolyPhen-2: "Benign". The glycine amino acid residue is found in multiple mammalian species, which suggests that this missense change does not adversely affect protein function. In summary, the available evidence is currently insufficient to determine the role of this variant in disease. Therefore, it has been classified as a Variant of Uncertain Significance.

NM_178822.5(IGSF10):c.4225A>G (p.Ser1409Gly)

Gene: IGSF10 (immunoglobulin superfamily member 10; minus strand). Cytogenetic location: 3q25.1.
Variant type: single nucleotide variant.
Coding change: c.4225A>G on transcript NM_178822.5 (MANE Select); coding-DNA position 4225, A replaced by G.
Protein change: p.Ser1409Gly; replaces serine 1409 with glycine.
Molecular consequence: missense variant.
Genome position (GRCh38, 1-based): chr3:151,445,756, T>C on the plus strand (A>G on the coding strand, the complement: IGSF10 is on the minus strand). VCF-style: chr3-151445756-T-C. GRCh37 (hg19) VCF-style: chr3-151163544-T-C.
Other names: c.4225A>G, p.Ser1409Gly (NM_001385060.1, NM_001385061.1, NM_001385062.1 and 1 more transcripts); short protein forms S1409G.
Identifiers: ClinVar variation 2784543 (VCV002784543.3), dbSNP rs2474489184, ClinGen allele CA354996457.